The following is an entry in ClinVar:

ClinVar aggregate classification (germline): Benign/Likely benign. Review status: criteria provided, multiple submitters, no conflicts (2 of 4 stars). 4 submissions from 4 submitters: Benign (2); Likely benign (2). Last evaluated 2025-09-23.

Conditions:
Inborn genetic diseases. Identifiers: MedGen C0950123, MeSH D030342.
Mowat-Wilson syndrome (MOWS). Also called: Classic Mowat-Wilson Syndrome. Identifiers: Orphanet 2152, MedGen C1856113, MONDO:0009341, OMIM 235730.

Allele frequency attached by ClinVar (database versions not stated): ExAC 0.00001; gnomAD exomes 0.00001; TOPMed 0.00005.
gnomAD v4.1: 6 of 1,613,838 alleles (0.00037%); highest among the groups gnomAD compares: Admixed American, 0.01%; no homozygotes.

Submissions (4):

Labcorp Genetics (formerly Invitae), Labcorp
Classification: Benign for Mowat-Wilson syndrome. Last evaluated: 2025-09-23. Review status: criteria provided, single submitter. Criteria: Invitae Variant Classification Sherloc (09022015). Collection method: clinical testing. Allele origin: germline.

Ambry Genetics
Classification: Likely benign for Inborn genetic diseases. Last evaluated: 2025-02-06. Review status: criteria provided, single submitter. Criteria: Ambry Variant Classification Scheme 2023. Collection method: clinical testing. Allele origin: germline.

Genome-Nilou Lab
Classification: Benign for Mowat-Wilson syndrome. Last evaluated: 2021-11-07. Review status: criteria provided, single submitter. Criteria: ACMG Guidelines, 2015. Collection method: clinical testing. Allele origin: germline. Affected: no.

GeneDx
Classification: Likely benign. Last evaluated: 2014-03-14. Review status: criteria provided, single submitter. Criteria: GeneDx Variant Classification (06012015). Collection method: clinical testing. Allele origin: germline. Affected: yes.
Comment: This variant is considered likely benign or benign based on one or more of the following criteria: it is a conservative change, it occurs at a poorly conserved position in the protein, it is predicted to be benign by multiple in silico algorithms, and/or has population frequency not consistent with disease.

NM_014795.4(ZEB2):c.139G>T (p.Ala47Ser)

Gene: ZEB2 (zinc finger E-box binding homeobox 2; minus strand). Cytogenetic location: 2q22.3.
Variant type: single nucleotide variant.
Coding change: c.139G>T on transcript NM_014795.4 (MANE Select); coding-DNA position 139, G replaced by T.
Protein change: p.Ala47Ser; replaces alanine 47 with serine.
Molecular consequence: missense variant.
Genome position (GRCh38, 1-based): chr2:144,429,961, C>A on the plus strand (G>T on the coding strand, the complement: ZEB2 is on the minus strand). VCF-style: chr2-144429961-C-A. GRCh37 (hg19) VCF-style: chr2-145187528-C-A.
Other names: p.A47S:GCT>TCT; c.139G>T, p.Ala47Ser (NM_001171653.2); short protein forms A47S.
Identifiers: ClinVar variation 181722 (VCV000181722.14), dbSNP rs730881184, ClinGen allele CA297578.